The following is an entry in ClinVar:

ClinVar aggregate classification (germline): Likely pathogenic (1 of 4 stars; one submission).

Conditions:
Nemaline myopathy 2 (NEM2). Also called: Nemaline myopathy 2, autosomal recessive. Identifiers: MedGen C1850569, MONDO:0009725, OMIM 256030.

Submission:

Myriad Genetics, Inc.
Classification: Likely pathogenic for Nemaline myopathy 2. Last evaluated: 2022-03-05. Review status: criteria provided, single submitter. Criteria: Myriad Women's Health Autosomal Recessive and X-Linked Classification Criteria (2021). Collection method: clinical testing. Allele origin: unknown.
Comment: NM_001271208.1(NEB):c.6353_6354ins8(M2119Sfs*25) is expected to be pathogenic in the context of NEB-related nemaline myopathy. This variant is predicted to lead to an abnormal or absent protein product due to the creation of a premature termination codon in NEB, a gene where loss-of-function variants are known to be pathogenic. Please note: this variant was assessed in the context of healthy population screening.

NM_001164508.2(NEB):c.6353_6354insTTCATATT (p.Met2119fs)

Gene: NEB (nebulin; minus strand). Cytogenetic location: 2q23.3.
Variant type: Insertion.
Coding change: c.6353_6354insTTCATATT on transcript NM_001164508.2 (MANE Select); coding-DNA positions 6353 to 6354, TTCATATT inserted.
Protein change: p.Met2119fs; shifts the reading frame from methionine 2119.
Molecular consequence: frameshift variant.
Genome position: GRCh38 VCF-style: chr2-151656294-G-GAATATGAA. GRCh37 (hg19) VCF-style: chr2-152512808-G-GAATATGAA.
Other names: c.6353_6354insTTCATATT, p.Met2119fs (NM_001164507.2, NM_001271208.2, NM_004543.5); short protein forms M2119fs.
Identifiers: ClinVar variation 1725029 (VCV001725029.2), dbSNP rs2552252923, ClinGen allele CA2580064007.